The following is an entry in ClinVar:

ClinVar aggregate classification (germline): Uncertain significance. Review status: criteria provided, multiple submitters, no conflicts (2 of 4 stars). 3 submissions from 3 submitters: Uncertain significance (2). 1 of the submissions does not count toward it. Last evaluated 2025-01-20.

Conditions:
Schimke immuno-osseous dysplasia (SIOD). Also called: Schimke Immunoosseous Dysplasia. Identifiers: Orphanet 1830, MedGen C0877024, MONDO:0009458, OMIM 242900.

Allele frequency attached by ClinVar (database versions not stated): gnomAD 0.00001; TOPMed 0.00001.
gnomAD v4.1: 8 of 1,613,460 alleles (0.0005%); highest among the groups gnomAD compares: Admixed American, 0.0083%; no homozygotes.

Submissions (3):

Labcorp Genetics (formerly Invitae), Labcorp
Classification: Uncertain significance for Schimke immuno-osseous dysplasia. Last evaluated: 2025-01-20. Review status: criteria provided, single submitter. Criteria: Invitae Variant Classification Sherloc (09022015). Collection method: clinical testing. Allele origin: germline.
Comment: This sequence change replaces valine, which is neutral and non-polar, with glutamic acid, which is acidic and polar, at codon 261 of the SMARCAL1 protein (p.Val261Glu). This variant is present in population databases (rs754882213, gnomAD 0.006%). This variant has not been reported in the literature in individuals affected with SMARCAL1-related conditions. ClinVar contains an entry for this variant (Variation ID: 1019138). Invitae Evidence Modeling of protein sequence and biophysical properties (such as structural, functional, and spatial information, amino acid conservation, physicochemical variation, residue mobility, and thermodynamic stability) indicates that this missense variant is not expected to disrupt SMARCAL1 protein function with a negative predictive value of 80%. In summary, the available evidence is currently insufficient to determine the role of this variant in disease. Therefore, it has been classified as a Variant of Uncertain Significance.

Fulgent Genetics
Classification: Uncertain significance for Schimke immuno-osseous dysplasia. Last evaluated: 2021-12-16. Review status: criteria provided, single submitter. Criteria: ACMG Guidelines, 2015. Collection method: clinical testing. Allele origin: unknown.

Natera, Inc.
Classification: Uncertain significance for Schimke immuno-osseous dysplasia. Last evaluated: 2020-08-13. Review status: no assertion criteria provided. Collection method: clinical testing. Allele origin: germline. Not counted in ClinVar's aggregate classification.

NM_014140.4(SMARCAL1):c.782T>A (p.Val261Glu)

Gene: SMARCAL1 (SNF2 related chromatin remodeling annealing helicase 1; plus strand). Cytogenetic location: 2q35.
Variant type: single nucleotide variant.
Coding change: c.782T>A on transcript NM_014140.4 (MANE Select); coding-DNA position 782, T replaced by A.
Protein change: p.Val261Glu; replaces valine 261 with glutamic acid.
Molecular consequence: missense variant.
Genome position (GRCh38, 1-based): chr2:216,415,486, T>A. VCF-style: chr2-216415486-T-A. GRCh37 (hg19) VCF-style: chr2-217280209-T-A.
Other names: c.782T>A, p.Val261Glu (NM_001127207.2); short protein forms V261E.
Identifiers: ClinVar variation 1019138 (VCV001019138.7), dbSNP rs754882213, ClinGen allele CA2097658.